The following is an entry in ClinVar:

NM_017990.5(PDPR):c.124C>G (p.Gln42Glu)

Gene: PDPR (pyruvate dehydrogenase phosphatase regulatory subunit; plus strand). Cytogenetic location: 16q22.1.
Variant type: single nucleotide variant.
Coding change: c.124C>G on transcript NM_017990.5 (MANE Select); coding-DNA position 124, C replaced by G.
Protein change: p.Gln42Glu; replaces glutamine 42 with glutamic acid.
Molecular consequence: missense variant. On other transcripts: 5 prime UTR variant (1), intron variant (1).
Genome position (GRCh38, 1-based): chr16:70,120,616, C>G. VCF-style: chr16-70120616-C-G. GRCh37 (hg19) VCF-style: chr16-70154519-C-G.
Other names: c.124C>G, p.Gln42Glu (NM_001322117.1); c.-941C>G (NM_001322119.1); c.-74+6176C>G (NM_001322118.1); short protein forms Q42E.
Identifiers: ClinVar variation 2646674 (VCV002646674.24), dbSNP rs199750793, ClinGen allele CA8138690.

ClinVar aggregate classification (germline): Likely benign (1 of 4 stars; one submission).

Allele frequency attached by ClinVar (database versions not stated): 1000 Genomes Project 0.00040; 1000 Genomes Project 30x 0.00078; TOPMed 0.00170; gnomAD 0.00178; ExAC 0.00229; ESP Exome Variant Server 0.00238; gnomAD exomes 0.00298.
gnomAD v4.1: 4,611 of 1,613,858 alleles (0.29%); highest among the groups gnomAD compares: Non-Finnish European, 0.36%; 19 homozygotes.

Submission:

CeGaT Center for Human Genetics Tuebingen
Classification: Likely benign. Last evaluated: 2022-08-01. Review status: criteria provided, single submitter. Criteria: CeGaT Center For Human Genetics Tuebingen Variant Classification Criteria Version 2. Collection method: clinical testing. Allele origin: germline. Affected: yes. Observed: 1 variant allele.
Comment: PDPR: BP4, BS2